The following is an entry in ClinVar:

ClinVar aggregate classification (germline): Uncertain significance. Review status: criteria provided, multiple submitters, no conflicts (2 of 4 stars). 3 submissions from 3 submitters: Uncertain significance (3). Last evaluated 2024-10-30.

Conditions:
Autosomal recessive limb-girdle muscular dystrophy type 2J (LGMDR10). Also called: MUSCULAR DYSTROPHY, LIMB-GIRDLE, AUTOSOMAL RECESSIVE 10; Limb-girdle muscular dystrophy, type 2J. Identifiers: Orphanet 140922, MedGen C1837342, MONDO:0012127, OMIM 608807.
Dilated cardiomyopathy 1G (CMD1G). Identifiers: Orphanet 154, MedGen C1858763, MONDO:0011400, OMIM 604145.
Myopathy, myofibrillar, 9, with early respiratory failure (MFM9). Also called: Myopathy, distal, with early respiratory failure, autosomal dominant; Hereditary myopathy with early respiratory failure; EDSTROM MYOPATHY; MYOPATHY, PROXIMAL, WITH EARLY RESPIRATORY MUSCLE INVOLVEMENT. Identifiers: Orphanet 178464, Orphanet 34521, MedGen C1863599, MONDO:0011362, OMIM 603689.
Tibial muscular dystrophy (TMD). Also called: UDD MYOPATHY; Tibial muscular dystrophy, tardive; Udd Distal Myopathy – Tibial Muscular Dystrophy. Identifiers: Orphanet 609, MedGen C1838244, MONDO:0010870, OMIM 600334.
Early-onset myopathy with fatal cardiomyopathy (CMYO5). Also called: Salih Myopathy; CONGENITAL MYOPATHY 5 WITH CARDIOMYOPATHY. Identifiers: Orphanet 289377, MedGen C2673677, MONDO:0012714, OMIM 611705. Disease mechanism: loss of function.
Hypertrophic cardiomyopathy 9. Also called: Familial hypertrophic cardiomyopathy 9. Identifiers: MedGen C1861065, MONDO:0013412, OMIM 613765.

Allele frequency attached by ClinVar (database versions not stated): TOPMed 0.00001.
gnomAD v4.1: 16 of 1,611,580 alleles (0.00099%); highest among the groups gnomAD compares: Admixed American, 0.005%; no homozygotes.

Submissions (3):

GeneDx
Classification: Uncertain significance. Last evaluated: 2024-10-30. Review status: criteria provided, single submitter. Criteria: GeneDx Variant Classification Process June 2021. Collection method: clinical testing. Allele origin: germline. Affected: yes.
Comment: Not observed at significant frequency in large population cohorts (gnomAD); Missense variant in a gene in which most reported pathogenic variants are truncating/loss of function; Has not been previously published as pathogenic or benign to our knowledge

Fulgent Genetics
Classification: Uncertain significance for Tibial muscular dystrophy; Myopathy, myofibrillar, 9, with early respiratory failure; Dilated cardiomyopathy 1G; Autosomal recessive limb-girdle muscular dystrophy type 2J; Early-onset myopathy with fatal cardiomyopathy; Hypertrophic cardiomyopathy 9. Last evaluated: 2021-11-01. Review status: criteria provided, single submitter. Criteria: ACMG Guidelines, 2015. Collection method: clinical testing. Allele origin: unknown.

Labcorp Genetics (formerly Invitae), Labcorp
Classification: Uncertain significance for Dilated cardiomyopathy 1G; Autosomal recessive limb-girdle muscular dystrophy type 2J. Last evaluated: 2017-10-05. Review status: criteria provided, single submitter. Criteria: Invitae Variant Classification Sherloc (09022015). Collection method: clinical testing. Allele origin: germline.

NM_001267550.2(TTN):c.31757C>T (p.Pro10586Leu)

Gene: TTN (titin; minus strand). Cytogenetic location: 2q31.2.
Variant type: single nucleotide variant.
Coding change: c.31757C>T on transcript NM_001267550.2 (MANE Select); coding-DNA position 31757, C replaced by T.
Protein change: p.Pro10586Leu; replaces proline 10586 with leucine.
Molecular consequence: missense variant. On other transcripts: intron variant (3).
Genome position (GRCh38, 1-based): chr2:178,692,021, G>A on the plus strand (C>T on the coding strand, the complement: TTN is on the minus strand). VCF-style: chr2-178692021-G-A. GRCh37 (hg19) VCF-style: chr2-179556748-G-A.
Other names: c.30806C>T, p.Pro10269Leu (NM_001256850.1); c.28025C>T, p.Pro9342Leu (NM_133378.4); c.13282+46061C>T (NM_003319.4); c.13858+46061C>T (NM_133437.4); c.13657+46061C>T (NM_133432.3); c.31757C>T (NM_001267550.1); short protein forms P10586L, P10269L, P9342L.
Identifiers: ClinVar variation 404651 (VCV000404651.5), dbSNP rs200459347, ClinGen allele CA1998861.